The following is an entry in ClinVar:

ClinVar aggregate classification (germline): Uncertain significance (1 of 4 stars; one submission).

Allele frequency attached by ClinVar (database versions not stated): TOPMed below 0.00001; gnomAD 0.00001.

Submission:

GeneDx
Classification: Uncertain significance. Last evaluated: 2019-08-27. Review status: criteria provided, single submitter. Criteria: GeneDx Variant Classification Process June 2021. Collection method: clinical testing. Allele origin: germline. Affected: yes.
Comment: In silico analysis, which includes protein predictors and evolutionary conservation, supports a deleterious effect; Has not been previously published as pathogenic or benign to our knowledge

NM_002470.4(MYH3):c.5269A>G (p.Lys1757Glu)

Gene: MYH3 (myosin heavy chain 3; minus strand). Cytogenetic location: 17p13.1.
Variant type: single nucleotide variant.
Coding change: c.5269A>G on transcript NM_002470.4 (MANE Select); coding-DNA position 5269, A replaced by G.
Protein change: p.Lys1757Glu; replaces lysine 1757 with glutamic acid.
Molecular consequence: missense variant.
Genome position (GRCh38, 1-based): chr17:10,631,628, T>C on the plus strand (A>G on the coding strand, the complement: MYH3 is on the minus strand). VCF-style: chr17-10631628-T-C. GRCh37 (hg19) VCF-style: chr17-10534945-T-C.
Other names: short protein forms K1757E.
Identifiers: ClinVar variation 1309912 (VCV001309912.2), dbSNP rs929323217, ClinGen allele CA287780013.